The following is an entry in ClinVar:

NM_001377.3(DYNC2H1):c.4268G>A (p.Arg1423His)

Gene: DYNC2H1 (dynein cytoplasmic 2 heavy chain 1; plus strand). Cytogenetic location: 11q22.3.
Variant type: single nucleotide variant.
Coding change: c.4268G>A on transcript NM_001377.3 (MANE Select); coding-DNA position 4268, G replaced by A.
Protein change: p.Arg1423His; replaces arginine 1423 with histidine.
Molecular consequence: missense variant.
Genome position (GRCh38, 1-based): chr11:103,158,917, G>A. VCF-style: chr11-103158917-G-A. GRCh37 (hg19) VCF-style: chr11-103029646-G-A.
Other names: c.4268G>A, p.Arg1423His (NM_001080463.2); short protein forms R1423H.
Identifiers: ClinVar variation 2573452 (VCV002573452.9), dbSNP rs771893039, ClinGen allele CA6253523.
Genomic context (GRCh38, chr11:103,158,917, plus strand): 5'-TATCTTAATTATCTGAAAAAAAGAAAGCTATTTTTTGTTTCTATTTTTATTAGGAAAAAC[G>A]CTCAGCATTCCCAAGATTTTATTTTATTGGTGATGATGACTTATTAGAAATATTGGGCCA-3'
Protein context (NP_001368.2, residues 1413-1433): KSLNEFLEEK[Arg1423His]SAFPRFYFIG

ClinVar aggregate classification (germline): Conflicting classifications of pathogenicity. Review status: criteria provided, conflicting classifications (1 of 4 stars). 3 submissions from 3 submitters: Likely pathogenic (1); Uncertain significance (2). Last evaluated 2025-11-24.

Conditions:
Jeune thoracic dystrophy. Also called: Short-rib thoracic dysplasia; Jeune syndrome; Infantile thoracic dystrophy; Thoracic pelvic phalangeal dystrophy; Jeune's syndrome; Chondroectodermal dysplasia-like syndrome. Identifiers: Orphanet 474, MedGen C0265275, MONDO:0018770.
Asphyxiating thoracic dystrophy 3. Also called: SHORT-RIB THORACIC DYSPLASIA 3 WITH OR WITHOUT POLYDACTYLY; POLYDACTYLY WITH NEONATAL CHONDRODYSTROPHY, TYPE I; SHORT-RIB THORACIC DYSPLASIA 3/6 WITH POLYDACTYLY, DIGENIC; Short rib polydactyly syndrome 2B; Saldino-Noonan Syndrome. Identifiers: Orphanet 474, Orphanet 93269, Orphanet 93270, Orphanet 93271, MedGen C0036069, MONDO:0013127, OMIM 613091.

Allele frequency attached by ClinVar (database versions not stated): ExAC 0.00001; gnomAD exomes 0.00001; TOPMed 0.00001.
gnomAD v4.1: 11 of 1,606,344 alleles (0.00068%); highest among the groups gnomAD compares: African/African-American, 0.0027%; no homozygotes.

Submissions (3):

Labcorp Genetics (formerly Invitae), Labcorp
Classification: Likely pathogenic for Jeune thoracic dystrophy. Last evaluated: 2025-11-24. Review status: criteria provided, single submitter. Criteria: Invitae Variant Classification Sherloc (09022015). Collection method: clinical testing. Allele origin: germline.
Comment: This sequence change replaces arginine, which is basic and polar, with histidine, which is basic and polar, at codon 1423 of the DYNC2H1 protein (p.Arg1423His). This variant is present in population databases (rs771893039, gnomAD 0.007%). This variant has not been reported in the literature in individuals affected with DYNC2H1-related conditions. ClinVar contains an entry for this variant (Variation ID: 2573452). Invitae Evidence Modeling of protein sequence and biophysical properties (such as structural, functional, and spatial information, amino acid conservation, physicochemical variation, residue mobility, and thermodynamic stability) indicates that this missense variant is expected to disrupt DYNC2H1 protein function with a positive predictive value of 95%. This variant disrupts the p.Arg1423 amino acid residue in DYNC2H1. Other variant(s) that disrupt this residue have been determined to be pathogenic (PMID: 22499340, 27925158, 29068549). This suggests that this residue is clinically significant, and that variants that disrupt this residue are likely to be disease-causing. In summary, the currently available evidence indicates that the variant is pathogenic, but additional data are needed to prove that conclusively. Therefore, this variant has been classified as Likely Pathogenic.

Women's Health and Genetics/Laboratory Corporation of America, LabCorp
Classification: Uncertain significance. Last evaluated: 2023-06-30. Review status: criteria provided, single submitter. Criteria: LabCorp Variant Classification Summary - May 2015. Collection method: clinical testing. Allele origin: germline.
Comment: Variant summary: DYNC2H1 c.4268G>A (p.Arg1423His) results in a non-conservative amino acid change located in the dynein heavy chain, linker domain (IPR013602) of the encoded protein sequence. Five of five in-silico tools predict a damaging effect of the variant on protein function. Additionally, other variants at the Arg1423 residue have been reported as associated with disease (p.Arg1423Cys), suggesting that this codon is functionally important. The variant allele was found at a frequency of 1.2e-05 in 241000 control chromosomes. The available data on variant occurrences in the general population are insufficient to allow any conclusion about variant significance. c.4268G>A has been reported in the literature in the heterozygous state in at least one individuals individuals affected with skeletal dysplasia (e.g., Silveira_2021). However, this report does not provide unequivocal conclusions about association of the variant with autosomal recessive DYNC2H1-related conditions, as no second variant was identified. To our knowledge, no experimental evidence demonstrating an impact on protein function has been reported. The following publication have been ascertained in the context of this evaluation (PMID: 34529350). No submitters have cited clinical-significance assessments for this variant to ClinVar after 2014. Based on the evidence outlined above, the variant was classified as VUS-possibly pathogenic.

Juno Genomics, Hangzhou Juno Genomics, Inc
Classification: Uncertain significance for Asphyxiating thoracic dystrophy 3. Review status: criteria provided, single submitter. Criteria: ACMG Guidelines, 2015. Collection method: clinical testing. Allele origin: germline.
Comment: Absent from controls (or at extremely low frequency if recessive) in Genome Aggregation Database.;Multiple lines of computational evidence support a deleterious effect on the gene or gene product.;Novel missense change at an amino acid residue where a different missense change determined to be pathogenic has been seen before.

Literature cited by the submitters: PubMed 22499340 (cited by Labcorp Genetics (formerly Invitae), Labcorp); PubMed 27925158 (cited by Labcorp Genetics (formerly Invitae), Labcorp); PubMed 29068549 (cited by Labcorp Genetics (formerly Invitae), Labcorp); PubMed 34529350 (cited by Women's Health and Genetics/Laboratory Corporation of America, LabCorp).